The following is an entry in ClinVar:

NM_024642.5(GALNT12):c.1300C>G (p.Pro434Ala)

Gene: GALNT12 (polypeptide N-acetylgalactosaminyltransferase 12; plus strand). Cytogenetic location: 9q22.33.
Variant type: single nucleotide variant.
Coding change: c.1300C>G on transcript NM_024642.5 (MANE Select); coding-DNA position 1300, C replaced by G.
Protein change: p.Pro434Ala; replaces proline 434 with alanine.
Molecular consequence: missense variant.
Genome position (GRCh38, 1-based): chr9:98,840,089, C>G. VCF-style: chr9-98840089-C-G. GRCh37 (hg19) VCF-style: chr9-101602371-C-G.
Other names: short protein forms P434A.
Identifiers: ClinVar variation 2473042 (VCV002473042.3), dbSNP rs745821987, ClinGen allele CA374221073.

ClinVar aggregate classification (germline): Uncertain significance. Review status: criteria provided, multiple submitters, no conflicts (2 of 4 stars). 2 submissions from 2 submitters: Uncertain significance (2). Last evaluated 2026-08-06.

Conditions:
Colorectal cancer, susceptibility to, 1. Also called: COLORECTAL ADENOMA AND CANCER, SUSCEPTIBILITY TO; COLORECTAL CANCER, SUSCEPTIBILITY TO, ON CHROMOSOME 9. Identifiers: MedGen C1837315, MONDO:0012132, OMIM 608812.

Submissions (2):

OLLIN Analises Genomicas, OLLIN
Classification: Uncertain significance for Colorectal cancer, susceptibility to, 1. Last evaluated: 2026-08-06. Review status: criteria provided, single submitter. Criteria: ACMG Guidelines 2015 PMID 25741868. Collection method: clinical testing. Allele origin: germline.
Comment: This missense variant, located in exon 7 (of 10), is absent from gnomAD and has not been identified in the literature. However, it has been reported in ClinVar (accession VCV002473042.2). In silico analysis predicts that this variant has a deleterious effect. According to the currently available evidence, this variant has been classified as uncertain significance (PM2_P, PP3_M).

Ambry Genetics
Classification: Uncertain significance. Last evaluated: 2023-02-15. Review status: criteria provided, single submitter. Criteria: Ambry Variant Classification Scheme 2023. Collection method: clinical testing. Allele origin: germline.
Comment: The p.P434A variant (also known as c.1300C>G), located in coding exon 7 of the GALNT12 gene, results from a C to G substitution at nucleotide position 1300. The proline at codon 434 is replaced by alanine, an amino acid with highly similar properties. This amino acid position is conserved. In addition, this alteration is predicted to be deleterious by in silico analysis. Since supporting evidence is limited at this time, the clinical significance of this alteration remains unclear.